The following is an entry in ClinVar:

ClinVar aggregate classification (germline): Uncertain significance (1 of 4 stars; one submission).

Conditions:
Microcephaly, normal intelligence and immunodeficiency (NBS). Also called: Nijmegen breakage syndrome; Microcephaly with normal intelligence immunodeficiency and lymphoreticular malignancies; Nonsyndromal microcephaly autosomal recessive with normal intelligence; Seemanova syndrome 2; IMMUNODEFICIENCY, MICROCEPHALY, AND CHROMOSOMAL INSTABILITY; BERLIN BREAKAGE SYNDROME. Identifiers: Orphanet 647, MedGen C0398791, MONDO:0009623, OMIM 251260.

Submission:

Labcorp Genetics (formerly Invitae), Labcorp
Classification: Uncertain significance for Microcephaly, normal intelligence and immunodeficiency. Last evaluated: 2021-04-29. Review status: criteria provided, single submitter. Criteria: Invitae Variant Classification Sherloc (09022015). Collection method: clinical testing. Allele origin: germline.
Comment: In summary, the available evidence is currently insufficient to determine the role of this variant in disease. Therefore, it has been classified as a Variant of Uncertain Significance. Algorithms developed to predict the effect of missense changes on protein structure and function are either unavailable or do not agree on the potential impact of this missense change (SIFT: "Deleterious"; PolyPhen-2: "Probably Damaging"; Align-GVGD: "Class C0"). This variant has not been reported in the literature in individuals with NBN-related conditions. This variant is not present in population databases (ExAC no frequency). This sequence change replaces valine with glycine at codon 114 of the NBN protein (p.Val114Gly). The valine residue is highly conserved and there is a moderate physicochemical difference between valine and glycine.

NM_002485.5(NBN):c.341T>G (p.Val114Gly)

Gene: NBN (nibrin; minus strand). Cytogenetic location: 8q21.3.
Variant type: single nucleotide variant.
Coding change: c.341T>G on transcript NM_002485.5 (MANE Select); coding-DNA position 341, T replaced by G.
Protein change: p.Val114Gly; replaces valine 114 with glycine.
Molecular consequence: missense variant.
Genome position (GRCh38, 1-based): chr8:89,980,873, A>C on the plus strand (T>G on the coding strand, the complement: NBN is on the minus strand). VCF-style: chr8-89980873-A-C. GRCh37 (hg19) VCF-style: chr8-90993101-A-C.
Other names: c.95T>G, p.Val32Gly (NM_001024688.3); short protein forms V32G, V114G.
Identifiers: ClinVar variation 1424714 (VCV001424714.8), dbSNP rs2129910604, ClinGen allele CA371662123.